The following is an entry in ClinVar:

ClinVar aggregate classification (germline): Likely benign (0 of 4 stars; one submission).

Conditions:
DOCK3-related disorder. Also called: DOCK3-related condition.

Submission:

PreventionGenetics, part of Exact Sciences
Classification: Likely benign for DOCK3-related condition. Last evaluated: 2019-03-25. Review status: no assertion criteria provided. Collection method: clinical testing. Allele origin: germline.
Comment: This variant is classified as likely benign based on ACMG/AMP sequence variant interpretation guidelines (Richards et al. 2015 PMID: 25741868, with internal and published modifications).

NM_004947.5(DOCK3):c.5412+10C>T

Gene: DOCK3 (dedicator of cytokinesis 3; plus strand). Cytogenetic location: 3p21.2.
Variant type: single nucleotide variant.
Coding change: c.5412+10C>T on transcript NM_004947.5 (MANE Select); 10 bases into the intron after coding-DNA position 5412, C replaced by T.
Molecular consequence: intron variant.
Genome position (GRCh38, 1-based): chr3:51,374,597, C>T. VCF-style: chr3-51374597-C-T. GRCh37 (hg19) VCF-style: chr3-51412028-C-T.
Identifiers: ClinVar variation 3057364 (VCV003057364.2), dbSNP rs761376970, ClinGen allele CA2740094459.